The following is an entry in ClinVar:

NM_001128228.3(TPRN):c.14G>T (p.Gly5Val)

Genes: TPRN (taperin; minus strand), LOC130003093 (ATAC-STARR-seq lymphoblastoid silent region 20590; plus strand). Cytogenetic location: 9q34.3.
Variant type: single nucleotide variant.
Coding change: c.14G>T on transcript NM_001128228.3 (MANE Select); coding-DNA position 14, G replaced by T.
Protein change: p.Gly5Val; replaces glycine 5 with valine.
Molecular consequence: missense variant.
Genome position (GRCh38, 1-based): chr9:137,200,698, C>A on the plus strand (G>T on the coding strand, the complement: TPRN is on the minus strand). VCF-style: chr9-137200698-C-A. GRCh37 (hg19) VCF-style: chr9-140095150-C-A.
Other names: short protein forms G5V.
Identifiers: ClinVar variation 4680936 (VCV004680936.1).

ClinVar aggregate classification (germline): Uncertain significance (1 of 4 stars; one submission).

Submission:

GeneDx
Classification: Uncertain significance. Last evaluated: 2025-06-30. Review status: criteria provided, single submitter. Criteria: GeneDx Variant Classification Process June 2021. Collection method: clinical testing. Allele origin: germline. Affected: yes.
Comment: Not observed at significant frequency in large population cohorts (gnomAD); In silico analysis suggests that this missense variant does not alter protein structure/function; Has not been previously published as pathogenic or benign to our knowledge